The following is an entry in ClinVar:

NM_004304.5(ALK):c.4438T>G (p.Phe1480Val)

Gene: ALK (ALK receptor tyrosine kinase; minus strand). Cytogenetic location: 2p23.2.
Variant type: single nucleotide variant.
Coding change: c.4438T>G on transcript NM_004304.5 (MANE Select); coding-DNA position 4438, T replaced by G.
Protein change: p.Phe1480Val; replaces phenylalanine 1480 with valine.
Molecular consequence: missense variant.
Genome position (GRCh38, 1-based): chr2:29,193,649, A>C on the plus strand (T>G on the coding strand, the complement: ALK is on the minus strand). VCF-style: chr2-29193649-A-C. GRCh37 (hg19) VCF-style: chr2-29416515-A-C.
Other names: c.1234T>G, p.Phe412Val (NM_001353765.2); short protein forms F412V, F1480V.
Identifiers: ClinVar variation 3523393 (VCV003523393.1).
Genomic context (GRCh38, chr2:29,193,649, plus strand): 5'-TGGGCTTGTTTCTGGATCCGTGGACCTTGTGCAACTCCGAAGGAGGGTTGGACTGAGAGA[A>C]TGCCATATTCACGTGTCCCCCTTCCACGGCCGGCCCTCTAGGGACTCGAACAGAGATCTC-3'
Protein context (NP_004295.2, residues 1470-1490): AVEGGHVNMA[Phe1480Val]SQSNPPSELH

ClinVar aggregate classification (germline): Uncertain significance (1 of 4 stars; one submission).

Conditions:
Hereditary cancer-predisposing syndrome. Also called: Hereditary Cancer Syndrome; Hereditary neoplastic syndrome; Tumor predisposition; Neoplastic Syndromes, Hereditary. Identifiers: Orphanet 140162, MedGen C0027672, MeSH D009386, MONDO:0015356.

Submission:

Ambry Genetics
Classification: Uncertain significance for Hereditary cancer-predisposing syndrome. Last evaluated: 2024-08-03. Review status: criteria provided, single submitter. Criteria: Ambry Variant Classification Scheme 2023. Collection method: clinical testing. Allele origin: germline.
Comment: The p.F1480V variant (also known as c.4438T>G), located in coding exon 29 of the ALK gene, results from a T to G substitution at nucleotide position 4438. The phenylalanine at codon 1480 is replaced by valine, an amino acid with highly similar properties. This amino acid position is conserved. In addition, this alteration is predicted to be tolerated by in silico analysis. Based on the available evidence, the clinical significance of this variant remains unclear.